The following is an entry in ClinVar:

NM_001277115.2(DNAH11):c.8247A>G (p.Lys2749=)

Gene: DNAH11 (dynein axonemal heavy chain 11; plus strand). Cytogenetic location: 7p15.3.
Variant type: single nucleotide variant.
Coding change: c.8247A>G on transcript NM_001277115.2 (MANE Select); coding-DNA position 8247, A replaced by G.
Protein change: p.Lys2749=; no amino-acid change (lysine 2749 retained).
Molecular consequence: synonymous variant.
Genome position (GRCh38, 1-based): chr7:21,744,530, A>G. VCF-style: chr7-21744530-A-G. GRCh37 (hg19) VCF-style: chr7-21784148-A-G.
Identifiers: ClinVar variation 695239 (VCV000695239.41), dbSNP rs367806628, ClinGen allele CA4181519.

ClinVar aggregate classification (germline): Conflicting classifications of pathogenicity. Review status: criteria provided, conflicting classifications (1 of 4 stars). 4 submissions from 4 submitters: Uncertain significance (1); Likely benign (3). Last evaluated 2025-11-01.

Conditions:
Primary ciliary dyskinesia 7. Also called: CILIARY DYSKINESIA, PRIMARY, 7, WITH OR WITHOUT SITUS INVERSUS. Identifiers: Orphanet 244, MedGen C2678473, MONDO:0012748, OMIM 611884.
Primary ciliary dyskinesia. Also called: Ciliary dyskinesia. Identifiers: Orphanet 244, MedGen C0008780, MONDO:0016575, HP:0012265.

Allele frequency attached by ClinVar (database versions not stated): gnomAD 0.00003; TOPMed 0.00005; gnomAD exomes 0.00009; 1000 Genomes Project 30x 0.00016; 1000 Genomes Project 0.00020; ESP Exome Variant Server 0.00025.
gnomAD v4.1: 153 of 1,613,656 alleles (0.0095%); highest among the groups gnomAD compares: Admixed American, 0.04%; 1 homozygote.

Submissions (4):

Labcorp Genetics (formerly Invitae), Labcorp
Classification: Likely benign for Primary ciliary dyskinesia. Last evaluated: 2025-11-01. Review status: criteria provided, single submitter. Criteria: Invitae Variant Classification Sherloc (09022015). Collection method: clinical testing. Allele origin: germline.

CeGaT Center for Human Genetics Tuebingen
Classification: Likely benign. Last evaluated: 2022-09-01. Review status: criteria provided, single submitter. Criteria: CeGaT Center For Human Genetics Tuebingen Variant Classification Criteria Version 2. Collection method: clinical testing. Allele origin: germline. Affected: yes. Observed: 1 variant allele.
Comment: DNAH11: BP4, BP7

Illumina Laboratory Services, Illumina
Classification: Uncertain significance for Primary ciliary dyskinesia 7. Last evaluated: 2018-01-13. Review status: criteria provided, single submitter. Criteria: ICSL Variant Classification Criteria 13 December 2019. Collection method: clinical testing. Allele origin: germline.

Ambry Genetics
Classification: Likely benign for Primary ciliary dyskinesia. Last evaluated: 2017-08-07. Review status: criteria provided, single submitter. Criteria: Ambry Variant Classification Scheme 2023. Collection method: clinical testing. Allele origin: germline.